The following is an entry in ClinVar:

ClinVar aggregate classification (germline): Uncertain significance (1 of 4 stars; one submission).

Submission:

Labcorp Genetics (formerly Invitae), Labcorp
Classification: Uncertain significance. Last evaluated: 2025-08-22. Review status: criteria provided, single submitter. Criteria: Invitae Variant Classification Sherloc (09022015). Collection method: clinical testing. Allele origin: germline.
Comment: This sequence change replaces glutamic acid, which is acidic and polar, with lysine, which is basic and polar, at codon 309 of the APOA5 protein (p.Glu309Lys). This variant is not present in population databases (gnomAD no frequency). This variant has not been reported in the literature in individuals affected with APOA5-related conditions. An algorithm developed to predict the effect of missense changes on protein structure and function (PolyPhen-2) suggests that this variant is likely to be disruptive. In summary, the available evidence is currently insufficient to determine the role of this variant in disease. Therefore, it has been classified as a Variant of Uncertain Significance.

NM_001371904.1(APOA5):c.925G>A (p.Glu309Lys)

Gene: APOA5 (apolipoprotein A5; minus strand). Cytogenetic location: 11q23.3.
Variant type: single nucleotide variant.
Coding change: c.925G>A on transcript NM_001371904.1 (MANE Select); coding-DNA position 925, G replaced by A.
Protein change: p.Glu309Lys; replaces glutamic acid 309 with lysine.
Molecular consequence: missense variant.
Genome position (GRCh38, 1-based): chr11:116,790,304, C>T on the plus strand (G>A on the coding strand, the complement: APOA5 is on the minus strand). VCF-style: chr11-116790304-C-T. GRCh37 (hg19) VCF-style: chr11-116661020-C-T.
Other names: c.925G>A, p.Glu309Lys (NM_001166598.2, NM_052968.5); short protein forms E309K.
Identifiers: ClinVar variation 4725827 (VCV004725827.1).